The following is an entry in ClinVar:

NM_000051.4(ATM):c.4133del (p.Pro1378fs)

Gene: ATM (ATM serine/threonine kinase; plus strand). Cytogenetic location: 11q22.3.
Variant type: Deletion.
Coding change: c.4133del on transcript NM_000051.4 (MANE Select); coding-DNA position 4133, one base deleted (C; older notation c.4133delC).
Protein change: p.Pro1378fs; shifts the reading frame from proline 1378.
Molecular consequence: frameshift variant.
Genome position (GRCh38, 1-based): chr11:108,289,000, C deleted; the last of 2 consecutive C bases (chr11:108,288,999-108,289,000); deleting either gives the same sequence. VCF-style (leftmost placement, unchanged base first): chr11-108288998-TC-T. GRCh37 (hg19) VCF-style: chr11-108159725-TC-T.
Other names: c.4133del, p.Pro1378fs (NM_001351834.2); short protein forms P1378fs.
Identifiers: ClinVar variation 1072467 (VCV001072467.7), dbSNP rs2135751048, ClinGen allele CA2499220633.
Genomic context (GRCh38, chr11:108,288,998, plus strand): 5'-TTAAAACGATGACTGTATTTTTTCCCTTAACTCTGTTAGGGATTTGGATCCTGCTCCTAA[TC>T]CACCTCATTTTCCATCGCATGTGATTAAAGCAACATTTGCCTATATCAGCAATTGTCATA-3'

ClinVar aggregate classification (germline): Pathogenic (1 of 4 stars; one submission).

Conditions:
Ataxia-telangiectasia syndrome (AT). Also called: LOUIS-BAR SYNDROME; Ataxia-telangiectasia, complementation group D; AT, COMPLEMENTATION GROUP C; Cerebello-oculocutaneous telangiectasia; Immunodeficiency with ataxia telangiectasia; ATAXIA-TELANGIECTASIA, COMPLEMENTATION GROUP A. Identifiers: Orphanet 100, MedGen C0004135, MONDO:0008840, OMIM 208900.

Submission:

Labcorp Genetics (formerly Invitae), Labcorp
Classification: Pathogenic for Ataxia-telangiectasia syndrome. Last evaluated: 2020-04-20. Review status: criteria provided, single submitter. Criteria: Invitae Variant Classification Sherloc (09022015). Collection method: clinical testing. Allele origin: germline.
Comment: This sequence change creates a premature translational stop signal (p.Pro1378Hisfs*8) in the ATM gene. It is expected to result in an absent or disrupted protein product. This variant is not present in population databases (ExAC no frequency). This variant has not been reported in the literature in individuals with ATM-related conditions. Loss-of-function variants in ATM are known to be pathogenic (PMID: 23807571, 25614872). For these reasons, this variant has been classified as Pathogenic.

Literature cited by the submitters: PubMed 23807571; PubMed 25614872.